The following is an entry in ClinVar:

ClinVar aggregate classification (germline): Uncertain significance. Review status: criteria provided, multiple submitters, no conflicts (2 of 4 stars). 2 submissions from 2 submitters: Uncertain significance (2). Last evaluated 2024-02-01.

Conditions:
Hypertrophic cardiomyopathy 1 (CMH1). Also called: MYH7-Related Familial Hypertrophic Cardiomyopathy; Familial hypertrophic cardiomyopathy 1. Identifiers: MedGen C3495498, MONDO:0008647, OMIM 192600.

Submissions (2):

CeGaT Center for Human Genetics Tuebingen
Classification: Uncertain significance. Last evaluated: 2024-02-01. Review status: criteria provided, single submitter. Criteria: CeGaT Center For Human Genetics Tuebingen Variant Classification Criteria Version 2. Collection method: clinical testing. Allele origin: germline. Affected: yes. Observed: 1 variant allele.
Comment: MYH6: PM2

Molecular Diagnostic Laboratory for Inherited Cardiovascular Disease, Montreal Heart Institute
Classification: Uncertain significance for Hypertrophic cardiomyopathy 1. Last evaluated: 2019-10-09. Review status: criteria provided, single submitter. Criteria: ACMG Guidelines, 2015. Collection method: clinical testing. Allele origin: germline. Affected: yes.

NM_002471.4(MYH6):c.2091C>A (p.Cys697Ter)

Gene: MYH6 (myosin heavy chain 6; minus strand). Cytogenetic location: 14q11.2.
Variant type: single nucleotide variant.
Coding change: c.2091C>A on transcript NM_002471.4 (MANE Select); coding-DNA position 2091, C replaced by A.
Protein change: p.Cys697Ter; replaces cysteine 697 with a stop codon.
Molecular consequence: nonsense.
Genome position (GRCh38, 1-based): chr14:23,397,040, G>T on the plus strand (C>A on the coding strand, the complement: MYH6 is on the minus strand). VCF-style: chr14-23397040-G-T. GRCh37 (hg19) VCF-style: chr14-23866249-G-T.
Other names: short protein forms C697*.
Identifiers: ClinVar variation 978320 (VCV000978320.24), dbSNP rs1891418103, ClinGen allele CA389018871.
Genomic context (GRCh38, chr14:23,397,040, plus strand): 5'-GTAGAGGATGCGGTTGGGGAAGCCCTTCCTGCAGATGCGGATGCCCTCCAGCACGCCATT[G>T]CAGCGCAGCTGGTGCATGACCAGGGGGTTGTCCATCACCCCTGTGTCAGGAGGGAAGGGG-3'